The following is an entry in ClinVar:

NM_001018115.3(FANCD2):c.3389G>A (p.Cys1130Tyr)

Genes: FANCD2 (FA complementation group D2; plus strand), FANCD2OS (FANCD2 opposite strand; minus strand). Cytogenetic location: 3p25.3.
Variant type: single nucleotide variant.
Coding change: c.3389G>A on transcript NM_001018115.3 (MANE Select); coding-DNA position 3389, G replaced by A.
Protein change: p.Cys1130Tyr; replaces cysteine 1130 with tyrosine.
Molecular consequence: missense variant. On other transcripts: intron variant (1).
Genome position (GRCh38, 1-based): chr3:10,087,187, G>A. VCF-style: chr3-10087187-G-A. GRCh37 (hg19) VCF-style: chr3-10128871-G-A.
Other names: c.3389G>A, p.Cys1130Tyr (NM_001319984.2, NM_001374254.1, NM_033084.6); c.3278G>A, p.Cys1093Tyr (NM_001374253.1); c.*44-5656C>T (NM_173472.2); short protein forms C1093Y, C1130Y.
Identifiers: ClinVar variation 1017208 (VCV001017208.10), dbSNP rs750409411, ClinGen allele CA2250372.

ClinVar aggregate classification (germline): Uncertain significance. Review status: criteria provided, multiple submitters, no conflicts (2 of 4 stars). 3 submissions from 3 submitters: Uncertain significance (3). Last evaluated 2024-11-18.

Conditions:
Fanconi anemia (FA). Also called: Fanconi's anemia. Identifiers: Orphanet 84, MedGen C0015625, MeSH D005199, MONDO:0019391.

Allele frequency attached by ClinVar (database versions not stated): ExAC 0.00002; gnomAD 0.00002; gnomAD exomes 0.00002; TOPMed 0.00003.
gnomAD v4.1: 30 of 1,613,094 alleles (0.0019%); highest among the groups gnomAD compares: African/African-American, 0.0027%; no homozygotes.

Submissions (3):

GeneDx
Classification: Uncertain significance. Last evaluated: 2024-11-18. Review status: criteria provided, single submitter. Criteria: GeneDx Variant Classification Process June 2021. Collection method: clinical testing. Allele origin: germline.
Comment: In silico analysis supports that this missense variant has a deleterious effect on protein structure/function; Has not been previously published as pathogenic or benign to our knowledge

Blueprint Genetics
Classification: Uncertain significance. Last evaluated: 2023-09-27. Review status: criteria provided, single submitter. Criteria: ACMG Guidelines, 2015. Collection method: clinical testing. Allele origin: germline.

Labcorp Genetics (formerly Invitae), Labcorp
Classification: Uncertain significance for Fanconi anemia. Last evaluated: 2022-02-14. Review status: criteria provided, single submitter. Criteria: Invitae Variant Classification Sherloc (09022015). Collection method: clinical testing. Allele origin: germline.
Comment: This sequence change replaces cysteine, which is neutral and slightly polar, with tyrosine, which is neutral and polar, at codon 1130 of the FANCD2 protein (p.Cys1130Tyr). This variant is present in population databases (rs750409411, gnomAD 0.01%). This variant has not been reported in the literature in individuals affected with FANCD2-related conditions. ClinVar contains an entry for this variant (Variation ID: 1017208). Algorithms developed to predict the effect of missense changes on protein structure and function are either unavailable or do not agree on the potential impact of this missense change (SIFT: "Deleterious"; PolyPhen-2: "Possibly Damaging"; Align-GVGD: "Class C0"). In summary, the available evidence is currently insufficient to determine the role of this variant in disease. Therefore, it has been classified as a Variant of Uncertain Significance.